The following is an entry in ClinVar:

ClinVar aggregate classification (germline): Pathogenic (1 of 4 stars; one submission).

Allele frequency attached by ClinVar (database versions not stated): gnomAD exomes below 0.00001.

Submission:

Labcorp Genetics (formerly Invitae), Labcorp
Classification: Pathogenic. Last evaluated: 2022-06-10. Review status: criteria provided, single submitter. Criteria: Invitae Variant Classification Sherloc (09022015). Collection method: clinical testing. Allele origin: germline.
Comment: For these reasons, this variant has been classified as Pathogenic. This variant has not been reported in the literature in individuals affected with POLE-related conditions. This variant is not present in population databases (gnomAD no frequency). This sequence change creates a premature translational stop signal (p.Pro1610Alafs*6) in the POLE gene. It is expected to result in an absent or disrupted protein product. Loss-of-function variants in POLE are known to be pathogenic (PMID: 23230001, 25948378, 30503519).

Literature cited by the submitters: PubMed 23230001; PubMed 25948378; PubMed 30503519.

NM_006231.4(POLE):c.4826dup (p.Pro1610fs)

Gene: POLE (DNA polymerase epsilon, catalytic subunit; minus strand). Cytogenetic location: 12q24.33.
Variant type: Duplication.
Coding change: c.4826dup on transcript NM_006231.4 (MANE Select); coding-DNA position 4826, one base duplicated (T; older notation c.4826dupT).
Protein change: p.Pro1610fs; shifts the reading frame from proline 1610.
Molecular consequence: frameshift variant.
Genome position (GRCh38, 1-based): chr12:132,642,632, A duplicated on the plus strand (T on the coding strand, the reverse complement: POLE is on the minus strand). VCF-style (leftmost placement, unchanged base first): chr12-132642631-C-CA. GRCh37 (hg19) VCF-style: chr12-133219217-C-CA.
Other names: short protein forms P1610fs.
Identifiers: ClinVar variation 1402986 (VCV001402986.8), dbSNP rs2138535602, ClinGen allele CA2573148249.